The following is an entry in ClinVar:

ClinVar aggregate classification (germline): Uncertain significance. Review status: criteria provided, multiple submitters, no conflicts (2 of 4 stars). 4 submissions from 4 submitters: Uncertain significance (4). Last evaluated 2025-05-23.

Conditions:
Inborn genetic diseases. Identifiers: MedGen C0950123, MeSH D030342.

Allele frequency attached by ClinVar (database versions not stated): gnomAD exomes 0.00002; gnomAD 0.00009 and 0.00011; TOPMed 0.00020.
gnomAD v4.1: 28 of 1,613,148 alleles (0.0017%); highest among the groups gnomAD compares: Admixed American, 0.037%; no homozygotes.

Submissions (4):

GeneDx
Classification: Uncertain significance. Last evaluated: 2025-05-23. Review status: criteria provided, single submitter. Criteria: GeneDx Variant Classification Process June 2021. Collection method: clinical testing. Allele origin: germline. Affected: yes.
Comment: In silico analysis supports that this missense variant has a deleterious effect on protein structure/function; Has not been previously published as pathogenic or benign to our knowledge

Labcorp Genetics (formerly Invitae), Labcorp
Classification: Uncertain significance. Last evaluated: 2022-10-13. Review status: criteria provided, single submitter. Criteria: Invitae Variant Classification Sherloc (09022015). Collection method: clinical testing. Allele origin: germline.
Comment: This sequence change replaces aspartic acid, which is acidic and polar, with asparagine, which is neutral and polar, at codon 269 of the EPS8 protein (p.Asp269Asn). This variant is present in population databases (no rsID available, gnomAD 0.006%). This variant has not been reported in the literature in individuals affected with EPS8-related conditions. ClinVar contains an entry for this variant (Variation ID: 1392129). Advanced modeling of protein sequence and biophysical properties (such as structural, functional, and spatial information, amino acid conservation, physicochemical variation, residue mobility, and thermodynamic stability) performed at Invitae indicates that this missense variant is expected to disrupt EPS8 protein function. In summary, the available evidence is currently insufficient to determine the role of this variant in disease. Therefore, it has been classified as a Variant of Uncertain Significance.

Blueprint Genetics
Classification: Uncertain significance. Last evaluated: 2021-09-10. Review status: criteria provided, single submitter. Criteria: ACMG Guidelines, 2015. Collection method: clinical testing. Allele origin: germline.

Ambry Genetics
Classification: Uncertain significance for Inborn genetic diseases. Last evaluated: 2021-07-15. Review status: criteria provided, single submitter. Criteria: Ambry Variant Classification Scheme 2023. Collection method: clinical testing. Allele origin: germline.

NM_004447.6(EPS8):c.805G>A (p.Asp269Asn)

Gene: EPS8 (EGFR pathway substrate 8, signaling adaptor; minus strand). Cytogenetic location: 12p12.3.
Variant type: single nucleotide variant.
Coding change: c.805G>A on transcript NM_004447.6 (MANE Select); coding-DNA position 805, G replaced by A.
Protein change: p.Asp269Asn; replaces aspartic acid 269 with asparagine.
Molecular consequence: missense variant.
Genome position (GRCh38, 1-based): chr12:15,662,031, C>T on the plus strand (G>A on the coding strand, the complement: EPS8 is on the minus strand). VCF-style: chr12-15662031-C-T. GRCh37 (hg19) VCF-style: chr12-15814965-C-T.
Other names: c.805G>A (NM_004447.5); short protein forms D269N.
Identifiers: ClinVar variation 1392129 (VCV001392129.8), dbSNP rs1034102746, ClinGen allele CA233365237.
Genomic context (GRCh38, chr12:15,662,031, plus strand): 5'-TTCTTTTTCCTCTTAAAAGAAAAGCCAGTGATCTAAAGGCGACTCCTGTACTTACCACAT[C>T]TCTGTCAATGCGGGCTGCCATCATCTCAGGTGTTTCTTCCTGCTCATGATACTGCCTTGG-3'
Protein context (NP_004438.3, residues 259-279): PEMMAARIDR[Asp269Asn]VQILNHILDD